The following is an entry in ClinVar:

NM_002519.3(NPAT):c.1883C>T (p.Ser628Leu)

Gene: NPAT (nuclear protein, coactivator of histone transcription; minus strand). Cytogenetic location: 11q22.3.
Variant type: single nucleotide variant.
Coding change: c.1883C>T on transcript NM_002519.3 (MANE Select); coding-DNA position 1883, C replaced by T.
Protein change: p.Ser628Leu; replaces serine 628 with leucine.
Molecular consequence: missense variant.
Genome position (GRCh38, 1-based): chr11:108,173,101, G>A on the plus strand (C>T on the coding strand, the complement: NPAT is on the minus strand). VCF-style: chr11-108173101-G-A. GRCh37 (hg19) VCF-style: chr11-108043828-G-A.
Other names: c.1883C>T, p.Ser628Leu (NM_001321307.1); short protein forms S628L.
Identifiers: ClinVar variation 1781930 (VCV001781930.2), dbSNP rs764143844, ClinGen allele CA6263926.

ClinVar aggregate classification (germline): Uncertain significance (1 of 4 stars; one submission).

Allele frequency attached by ClinVar (database versions not stated): ExAC 0.00001; gnomAD 0.00001; TOPMed 0.00002.
gnomAD v4.1: 11 of 1,613,880 alleles (0.00068%); highest among the groups gnomAD compares: African/African-American, 0.004%; no homozygotes.

Submission:

Ambry Genetics
Classification: Uncertain significance. Last evaluated: 2022-10-09. Review status: criteria provided, single submitter. Criteria: Ambry Variant Classification Scheme 2023. Collection method: clinical testing. Allele origin: germline.
Comment: The p.S628L variant (also known as c.1883C>T), located in coding exon 13 of the NPAT gene, results from a C to T substitution at nucleotide position 1883. The serine at codon 628 is replaced by leucine, an amino acid with dissimilar properties. This amino acid position is conserved. In addition, this alteration is predicted to be tolerated by in silico analysis. Since supporting evidence is limited at this time, the clinical significance of this alteration remains unclear.